The following is an entry in ClinVar:

ClinVar aggregate classification (germline): Uncertain significance (1 of 4 stars; one submission).

Conditions:
Immunodeficiency, common variable, 7. Identifiers: Orphanet 1572, Orphanet 696894, MedGen C3542922, MONDO:0013862, OMIM 614699.

Allele frequency attached by ClinVar (database versions not stated): gnomAD 0.00001; TOPMed 0.00005.

Submission:

Labcorp Genetics (formerly Invitae), Labcorp
Classification: Uncertain significance for Immunodeficiency, common variable, 7. Last evaluated: 2022-06-10. Review status: criteria provided, single submitter. Criteria: Invitae Variant Classification Sherloc (09022015). Collection method: clinical testing. Allele origin: germline.
Comment: This sequence change replaces arginine, which is basic and polar, with cysteine, which is neutral and slightly polar, at codon 520 of the CR2 protein (p.Arg520Cys). This variant is present in population databases (rs764276175, gnomAD 0.01%). This variant has not been reported in the literature in individuals affected with CR2-related conditions. Algorithms developed to predict the effect of missense changes on protein structure and function are either unavailable or do not agree on the potential impact of this missense change (SIFT: "Deleterious"; PolyPhen-2: "Possibly Damaging"; Align-GVGD: "Class C0"). In summary, the available evidence is currently insufficient to determine the role of this variant in disease. Therefore, it has been classified as a Variant of Uncertain Significance.

NM_001006658.3(CR2):c.1558C>T (p.Arg520Cys)

Gene: CR2 (complement C3d receptor 2; plus strand). Cytogenetic location: 1q32.2.
Variant type: single nucleotide variant.
Coding change: c.1558C>T on transcript NM_001006658.3 (MANE Select); coding-DNA position 1558, C replaced by T.
Protein change: p.Arg520Cys; replaces arginine 520 with cysteine.
Molecular consequence: missense variant.
Genome position (GRCh38, 1-based): chr1:207,471,487, C>T. VCF-style: chr1-207471487-C-T. GRCh37 (hg19) VCF-style: chr1-207644832-C-T.
Other names: c.1558C>T, p.Arg520Cys (NM_001877.5); short protein forms R520C.
Identifiers: ClinVar variation 2197764 (VCV002197764.1), dbSNP rs764276175, ClinGen allele CA1368749.